The following is an entry in ClinVar:

NM_000400.4(ERCC2):c.1418dup (p.His474fs)

Gene: ERCC2 (ERCC excision repair 2, TFIIH core complex helicase subunit; minus strand). Cytogenetic location: 19q13.32.
Variant type: Duplication.
Coding change: c.1418dup on transcript NM_000400.4 (MANE Select); coding-DNA position 1418, one base duplicated (T; older notation c.1418dupT).
Protein change: p.His474fs; shifts the reading frame from histidine 474.
Molecular consequence: frameshift variant.
Genome position (GRCh38, 1-based): chr19:45,357,331, A duplicated on the plus strand (T on the coding strand, the reverse complement: ERCC2 is on the minus strand); the first of 2 consecutive A bases (chr19:45,357,331-45,357,332); duplicating either gives the same sequence. VCF-style (leftmost placement, unchanged base first): chr19-45357330-G-GA. GRCh37 (hg19) VCF-style: chr19-45860588-G-GA.
Other names: short protein forms H474fs.
Identifiers: ClinVar variation 2809861 (VCV002809861.3), dbSNP rs1972046041, ClinGen allele CA2338391731.

ClinVar aggregate classification (germline): Pathogenic (1 of 4 stars; one submission).

Submission:

Labcorp Genetics (formerly Invitae), Labcorp
Classification: Pathogenic. Last evaluated: 2023-04-18. Review status: criteria provided, single submitter. Criteria: Invitae Variant Classification Sherloc (09022015). Collection method: clinical testing. Allele origin: germline.
Comment: This variant has not been reported in the literature in individuals affected with ERCC2-related conditions. For these reasons, this variant has been classified as Pathogenic. This variant is not present in population databases (gnomAD no frequency). This sequence change creates a premature translational stop signal (p.His474Profs*27) in the ERCC2 gene. It is expected to result in an absent or disrupted protein product. Loss-of-function variants in ERCC2 are known to be pathogenic (PMID: 9238033, 11335038, 19085937, 19934020).

Literature cited by the submitters: PubMed 9238033; PubMed 11335038; PubMed 19085937; PubMed 19934020.